The following is an entry in ClinVar:

ClinVar aggregate classification (germline): Uncertain significance (1 of 4 stars; one submission).

Conditions:
Cardiovascular phenotype. Identifiers: MedGen CN230736.

Allele frequency attached by ClinVar (database versions not stated): gnomAD exomes below 0.00001; ExAC 0.00001; gnomAD 0.00001; TOPMed 0.00002; ESP Exome Variant Server 0.00016.

Submission:

Ambry Genetics
Classification: Uncertain significance for Cardiovascular phenotype. Last evaluated: 2016-07-29. Review status: criteria provided, single submitter. Criteria: Ambry Variant Classification Scheme 2023. Collection method: clinical testing. Allele origin: germline.
Comment: The c.1977delG variant, located in coding exon 15 of the MYH6 gene, results from a deletion of one nucleotide at nucleotide position 1977, causing a translational frameshift with a predicted alternate stop codon. Based on data from ExAC, the c.1977delG allele has an overall frequency of less than 0.01% (1/106200). Based on data from the NHLBI Exome Sequencing Project (ESP), the c.1977delG allele has an overall frequency of approximately 0.02% (2/12518) total alleles studied, having been observed in 0.05% (2/4264) African American alleles. This alteration is expected to result in loss of function by premature protein truncation or nonsense-mediated mRNA decay. However, loss of function of MYH6 has not been clearly established as a mechanism of disease. Since supporting evidence is limited at this time, the clinical significance of this alteration remains unclear.

NM_002471.4(MYH6):c.1977del (p.Lys659fs)

Gene: MYH6 (myosin heavy chain 6; minus strand). Cytogenetic location: 14q11.2.
Variant type: Deletion.
Coding change: c.1977del on transcript NM_002471.4 (MANE Select); coding-DNA position 1977, one base deleted (G; older notation c.1977delG).
Protein change: p.Lys659fs; shifts the reading frame from lysine 659.
Molecular consequence: frameshift variant.
Genome position (GRCh38, 1-based): chr14:23,397,243, C deleted on the plus strand (G on the coding strand, the reverse complement: MYH6 is on the minus strand). VCF-style (leftmost placement, unchanged base first): chr14-23397242-GC-G. GRCh37 (hg19) VCF-style: chr14-23866451-GC-G.
Other names: c.1977delG (NM_002471.3); short protein forms K659fs.
Identifiers: ClinVar variation 520288 (VCV000520288.5), dbSNP rs780949569, ClinGen allele CA7115628.
Genomic context (GRCh38, chr14:23,397,242, plus strand): 5'-GCTCATTGGGGATGATGCAACGCACAAAGTGAGGATGGGTGGTCCTCAGGTTGGTCATTA[GC>G]TTGTTGAGATTTTCCTGGAGGCAGATGAAGGTGGGGAGTTAGGAGCCACAAGGACCATCC-3'